The following is an entry in ClinVar:

NM_002299.4(LCT):c.3660G>T (p.Arg1220Ser)

Gene: LCT (lactase; minus strand). Cytogenetic location: 2q21.3.
Variant type: single nucleotide variant.
Coding change: c.3660G>T on transcript NM_002299.4 (MANE Select); coding-DNA position 3660, G replaced by T.
Protein change: p.Arg1220Ser; replaces arginine 1220 with serine.
Molecular consequence: missense variant.
Genome position (GRCh38, 1-based): chr2:135,808,687, C>A on the plus strand (G>T on the coding strand, the complement: LCT is on the minus strand). VCF-style: chr2-135808687-C-A. GRCh37 (hg19) VCF-style: chr2-136566257-C-A.
Other names: c.3660G>T (NM_002299.2); short protein forms R1220S.
Identifiers: ClinVar variation 1373228 (VCV001373228.5), dbSNP rs141075124, ClinGen allele CA1888023.

ClinVar aggregate classification (germline): Conflicting classifications of pathogenicity. Review status: criteria provided, conflicting classifications (1 of 4 stars). 2 submissions from 2 submitters: Uncertain significance (1); Likely benign (1). Last evaluated 2025-07-20.

Conditions:
Inborn genetic diseases. Identifiers: MedGen C0950123, MeSH D030342.

Allele frequency attached by ClinVar (database versions not stated): ExAC 0.00003; gnomAD 0.00003; TOPMed 0.00003; gnomAD exomes 0.00004; ESP Exome Variant Server 0.00008.
gnomAD v4.1: 63 of 1,614,074 alleles (0.0039%); highest among the groups gnomAD compares: Non-Finnish European, 0.0052%; no homozygotes.

Submissions (2):

Labcorp Genetics (formerly Invitae), Labcorp
Classification: Uncertain significance. Last evaluated: 2025-07-20. Review status: criteria provided, single submitter. Criteria: Invitae Variant Classification Sherloc (09022015). Collection method: clinical testing. Allele origin: germline.
Comment: This sequence change replaces arginine, which is basic and polar, with serine, which is neutral and polar, at codon 1220 of the LCT protein (p.Arg1220Ser). This variant is present in population databases (rs141075124, gnomAD 0.008%). This variant has not been reported in the literature in individuals affected with LCT-related conditions. ClinVar contains an entry for this variant (Variation ID: 1373228). Invitae Evidence Modeling of protein sequence and biophysical properties (such as structural, functional, and spatial information, amino acid conservation, physicochemical variation, residue mobility, and thermodynamic stability) indicates that this missense variant is not expected to disrupt LCT protein function with a negative predictive value of 80%. In summary, the available evidence is currently insufficient to determine the role of this variant in disease. Therefore, it has been classified as a Variant of Uncertain Significance.

Ambry Genetics
Classification: Likely benign for Inborn genetic diseases. Last evaluated: 2024-12-11. Review status: criteria provided, single submitter. Criteria: Ambry Variant Classification Scheme 2023. Collection method: clinical testing. Allele origin: germline.